The following is an entry in ClinVar:

ClinVar aggregate classification (germline): Likely benign (1 of 4 stars; one submission).

gnomAD v4.1: 58 of 1,613,438 alleles (0.0036%); highest among the groups gnomAD compares: Middle Eastern, 0.017%; no homozygotes.

Submission:

CeGaT Center for Human Genetics Tuebingen
Classification: Likely benign. Last evaluated: 2025-10-01. Review status: criteria provided, single submitter. Criteria: CeGaT Center For Human Genetics Tuebingen Variant Classification Criteria Version 2. Collection method: clinical testing. Allele origin: germline. Affected: yes. Observed: 1 variant allele.
Comment: RNF157: BP4, BP7

NM_052916.3(RNF157):c.1326C>T (p.Ser442=)

Gene: RNF157 (ring finger protein 157; minus strand). Cytogenetic location: 17q25.1.
Variant type: single nucleotide variant.
Coding change: c.1326C>T on transcript NM_052916.3 (MANE Select); coding-DNA position 1326, C replaced by T.
Protein change: p.Ser442=; no amino-acid change (serine 442 retained).
Molecular consequence: synonymous variant.
Genome position (GRCh38, 1-based): chr17:76,158,480, G>A on the plus strand (C>T on the coding strand, the complement: RNF157 is on the minus strand). VCF-style: chr17-76158480-G-A. GRCh37 (hg19) VCF-style: chr17-74154561-G-A.
Other names: c.1326C>T, p.Ser442= (NM_001330501.2, NM_001438721.1).
Identifiers: ClinVar variation 4534126 (VCV004534126.6).